The following is an entry in ClinVar:

ClinVar aggregate classification (germline): Uncertain significance (1 of 4 stars; one submission).

Conditions:
Gastrointestinal stromal tumor. Also called: Gastrointestinal stromal tumor, somatic; Gastrointestinal stroma tumor. Identifiers: Orphanet 44890, MedGen C0238198, MeSH D046152, MONDO:0011719, OMIM 606764, HP:0100723.
Pheochromocytoma/paraganglioma syndrome 4. Also called: CAROTID BODY TUMORS AND MULTIPLE EXTRAADRENAL PHEOCHROMOCYTOMAS; SDHB-Related Hereditary Paraganglioma-Pheochromocytoma Syndrome; Paragangliomas 4; SDHB-Related Hereditary Paraganglioma-Pheochromocytoma Syndrome (Paragangliomas 4); PARAGANGLIOMA, FAMILIAL MALIGNANT; PARAGANGLIOMAS, HEREDITARY EXTRAADRENAL. Identifiers: Orphanet 29072, MedGen C1861848, MONDO:0007273, OMIM 115310.
Pheochromocytoma. Also called: MAX-Related Hereditary Paraganglioma-Pheochromocytoma Syndrome. Identifiers: Orphanet 29072, MedGen C0031511, MONDO:0008233, OMIM 171300, HP:0002666.

Submission:

Labcorp Genetics (formerly Invitae), Labcorp
Classification: Uncertain significance for Gastrointestinal stromal tumor; Pheochromocytoma/paraganglioma syndrome 4; Pheochromocytoma. Last evaluated: 2021-11-17. Review status: criteria provided, single submitter. Criteria: Invitae Variant Classification Sherloc (09022015). Collection method: clinical testing. Allele origin: germline.
Comment: This sequence change replaces proline, which is neutral and non-polar, with threonine, which is neutral and polar, at codon 259 of the SDHB protein (p.Pro259Thr). In summary, the available evidence is currently insufficient to determine the role of this variant in disease. Therefore, it has been classified as a Variant of Uncertain Significance. Advanced modeling of protein sequence and biophysical properties (such as structural, functional, and spatial information, amino acid conservation, physicochemical variation, residue mobility, and thermodynamic stability) performed at Invitae indicates that this missense variant is expected to disrupt SDHB protein function. ClinVar contains an entry for this variant (Variation ID: 936683). This variant has not been reported in the literature in individuals affected with SDHB-related conditions. This variant is not present in population databases (gnomAD no frequency).

NM_003000.3(SDHB):c.775C>A (p.Pro259Thr)

Gene: SDHB (succinate dehydrogenase complex iron sulfur subunit B; minus strand). Cytogenetic location: 1p36.13.
Variant type: single nucleotide variant.
Coding change: c.775C>A on transcript NM_003000.3 (MANE Select); coding-DNA position 775, C replaced by A.
Protein change: p.Pro259Thr; replaces proline 259 with threonine.
Molecular consequence: missense variant.
Genome position (GRCh38, 1-based): chr1:17,018,949, G>T on the plus strand (C>A on the coding strand, the complement: SDHB is on the minus strand). VCF-style: chr1-17018949-G-T. GRCh37 (hg19) VCF-style: chr1-17345444-G-T.
Other names: short protein forms P259T.
Identifiers: ClinVar variation 936683 (VCV000936683.7), dbSNP rs2077946320, ClinGen allele CA338269025.